The following is an entry in ClinVar:

NM_080680.3(COL11A2):c.3463A>G (p.Ile1155Val)

Gene: COL11A2 (collagen type XI alpha 2 chain; minus strand). Cytogenetic location: 6p21.32.
Variant type: single nucleotide variant.
Coding change: c.3463A>G on transcript NM_080680.3 (MANE Select); coding-DNA position 3463, A replaced by G.
Protein change: p.Ile1155Val; replaces isoleucine 1155 with valine.
Molecular consequence: missense variant.
Genome position (GRCh38, 1-based): chr6:33,170,821, T>C on the plus strand (A>G on the coding strand, the complement: COL11A2 is on the minus strand). VCF-style: chr6-33170821-T-C. GRCh37 (hg19) VCF-style: chr6-33138598-T-C.
Other names: c.3142A>G, p.Ile1048Val (NM_080679.3); c.3205A>G, p.Ile1069Val (NM_080681.3); short protein forms I1069V, I1048V, I1155V.
Identifiers: ClinVar variation 2097224 (VCV002097224.4), dbSNP rs1769934540, ClinGen allele CA363631007.
Genomic context (GRCh38, chr6:33,170,821, plus strand): 5'-ACCCCATCCTGACCCCACCTCTCAGCCCCTGTCCTATCCCCCAACACACCTGTAGGCCAA[T>C]GGGTCCTGGGGGCCCATTGAATCCTCTTGTTCCTTCATCACCTTTGGCTCCAAAGTGTCC-3'
Protein context (NP_542411.2, residues 1145-1165): TRGFNGPPGP[Ile1155Val]GLQGLPGPSG

ClinVar aggregate classification (germline): Uncertain significance (1 of 4 stars; one submission).

Allele frequency attached by ClinVar (database versions not stated): gnomAD 0.00001.
gnomAD v4.1: 2 of 1,611,832 alleles (0.00012%); highest among the groups gnomAD compares: Admixed American, 0.0033%; no homozygotes.

Submission:

Labcorp Genetics (formerly Invitae), Labcorp
Classification: Uncertain significance. Last evaluated: 2024-11-28. Review status: criteria provided, single submitter. Criteria: Invitae Variant Classification Sherloc (09022015). Collection method: clinical testing. Allele origin: germline.
Comment: This sequence change replaces isoleucine, which is neutral and non-polar, with valine, which is neutral and non-polar, at codon 1155 of the COL11A2 protein (p.Ile1155Val). This variant is not present in population databases (gnomAD no frequency). This variant has not been reported in the literature in individuals affected with COL11A2-related conditions. ClinVar contains an entry for this variant (Variation ID: 2097224). Invitae Evidence Modeling of protein sequence and biophysical properties (such as structural, functional, and spatial information, amino acid conservation, physicochemical variation, residue mobility, and thermodynamic stability) indicates that this missense variant is not expected to disrupt COL11A2 protein function with a negative predictive value of 95%. In summary, the available evidence is currently insufficient to determine the role of this variant in disease. Therefore, it has been classified as a Variant of Uncertain Significance.